The following is an entry in ClinVar:

NM_000020.3(ACVRL1):c.1215del (p.Trp406fs)

Gene: ACVRL1 (activin A receptor like type 1; plus strand). Cytogenetic location: 12q13.13.
Variant type: Deletion.
Coding change: c.1215del on transcript NM_000020.3 (MANE Select); coding-DNA position 1215, one base deleted (G; older notation c.1215delG).
Protein change: p.Trp406fs; shifts the reading frame from tryptophan 406.
Molecular consequence: frameshift variant.
Genome position (GRCh38, 1-based): chr12:51,916,202, G deleted. VCF-style (leftmost placement, unchanged base first): chr12-51916201-TG-T. GRCh37 (hg19) VCF-style: chr12-52309985-TG-T.
Other names: c.1215del, p.Trp406fs (NM_001077401.2); short protein forms W406fs.
Identifiers: ClinVar variation 1459273 (VCV001459273.6), dbSNP rs2139077020, ClinGen allele CA2573148784.

ClinVar aggregate classification (germline): Pathogenic (1 of 4 stars; one submission).

Conditions:
Telangiectasia, hereditary hemorrhagic, type 2 (HHT2). Also called: ACVRL1-Related Hereditary Hemorrhagic Telangiectasia; Telangiectasia, hereditary hemorrhagic, type II. Identifiers: Orphanet 774, MedGen C1838163, MONDO:0010880, OMIM 600376. Disease mechanism: loss of function.

Submission:

Labcorp Genetics (formerly Invitae), Labcorp
Classification: Pathogenic for Telangiectasia, hereditary hemorrhagic, type 2. Last evaluated: 2021-09-26. Review status: criteria provided, single submitter. Criteria: Invitae Variant Classification Sherloc (09022015). Collection method: clinical testing. Allele origin: germline.
Comment: This sequence change creates a premature translational stop signal (p.Trp406Glyfs*9) in the ACVRL1 gene. It is expected to result in an absent or disrupted protein product. Loss-of-function variants in ACVRL1 are known to be pathogenic (PMID: 15879500). For these reasons, this variant has been classified as Pathogenic. This premature translational stop signal has been observed in individuals with hereditary hemorrhagic telangiectasia (PMID: 21158752). This variant is not present in population databases (ExAC no frequency).

Literature cited by the submitters: PubMed 15879500; PubMed 21158752.